The following is an entry in ClinVar:

NM_017780.4(CHD7):c.3989+9C>T

Gene: CHD7 (chromodomain helicase DNA binding protein 7; plus strand). Cytogenetic location: 8q12.2.
Variant type: single nucleotide variant.
Coding change: c.3989+9C>T on transcript NM_017780.4 (MANE Select); 9 bases into the intron after coding-DNA position 3989, C replaced by T.
Molecular consequence: intron variant.
Genome position (GRCh38, 1-based): chr8:60,836,292, C>T. VCF-style: chr8-60836292-C-T. GRCh37 (hg19) VCF-style: chr8-61748851-C-T.
Other names: c.1717-25937C>T (NM_001316690.1); c.3989+9C>T (LRG_176t1).
Identifiers: ClinVar variation 386944 (VCV000386944.11), dbSNP rs373206209, ClinGen allele CA4760049.

ClinVar aggregate classification (germline): Likely benign. Review status: criteria provided, multiple submitters, no conflicts (2 of 4 stars). 4 submissions from 4 submitters: Likely benign (4). Last evaluated 2026-01-20.

Conditions:
CHARGE syndrome (CHARGE). Also called: CHARGE ASSOCIATION--COLOBOMA, HEART ANOMALY, CHOANAL ATRESIA, RETARDATION, GENITAL AND EAR ANOMALIES; Coloboma, heart anomaly, choanal atresia, retardation, genital and ear anomalies; CHARGE association; Hall-Hittner syndrome; Hittner Hirsch Kreh syndrome. Identifiers: Orphanet 138, MedGen C0265354, MONDO:0008965.
Hypogonadotropic hypogonadism 5 with or without anosmia (KAL5). Also called: HYPOGONADOTROPIC HYPOGONADISM 5 WITH ANOSMIA; HYPOGONADOTROPHIC HYPOGONADISM 5 WITHOUT ANOSMIA; CHD7-Related GnRH Deficiency (Kallmann Syndrome 5). Identifiers: Orphanet 478, MedGen C3552553, MONDO:0012880, OMIM 612370. Disease mechanism: loss of function.

Allele frequency attached by ClinVar (database versions not stated): gnomAD exomes 0.00003; ExAC 0.00005; ESP Exome Variant Server 0.00008; TOPMed 0.00022; gnomAD 0.00027 and 0.00029.
gnomAD v4.1: 86 of 1,609,658 alleles (0.0053%); highest among the groups gnomAD compares: African/African-American, 0.098%; no homozygotes.

Submissions (4):

Labcorp Genetics (formerly Invitae), Labcorp
Classification: Likely benign for CHARGE syndrome. Last evaluated: 2026-01-20. Review status: criteria provided, single submitter. Criteria: Invitae Variant Classification Sherloc (09022015). Collection method: clinical testing. Allele origin: germline.

Blueprint Genetics
Classification: Likely benign. Last evaluated: 2022-03-11. Review status: criteria provided, single submitter. Criteria: ACMG Guidelines, 2015. Collection method: clinical testing. Allele origin: germline.

Fulgent Genetics
Classification: Likely benign for CHD7-related CHARGE syndrome; Hypogonadotropic hypogonadism 5 with or without anosmia. Last evaluated: 2022-02-09. Review status: criteria provided, single submitter. Criteria: ACMG Guidelines, 2015. Collection method: clinical testing. Allele origin: unknown.

GeneDx
Classification: Likely benign. Last evaluated: 2016-06-10. Review status: criteria provided, single submitter. Criteria: GeneDx Variant Classification (06012015). Collection method: clinical testing. Allele origin: germline. Affected: yes.
Comment: This variant is considered likely benign or benign based on one or more of the following criteria: it is a conservative change, it occurs at a poorly conserved position in the protein, it is predicted to be benign by multiple in silico algorithms, and/or has population frequency not consistent with disease.